The following is an entry in ClinVar:

NM_001382567.1(STIM1):c.710C>T (p.Ser237Phe)

Gene: STIM1 (stromal interaction molecule 1; plus strand). Cytogenetic location: 11p15.4.
Variant type: single nucleotide variant.
Coding change: c.710C>T on transcript NM_001382567.1 (MANE Select); coding-DNA position 710, C replaced by T.
Protein change: p.Ser237Phe; replaces serine 237 with phenylalanine.
Molecular consequence: missense variant. On other transcripts: non-coding transcript variant (2).
Genome position (GRCh38, 1-based): chr11:4,070,122, C>T. VCF-style: chr11-4070122-C-T. GRCh37 (hg19) VCF-style: chr11-4091352-C-T.
Other names: c.710C>T (NM_003156.3); c.710C>T, p.Ser237Phe (NM_001277961.3, NM_001277962.2, NM_001382568.1 and 2 more transcripts); c.488C>T, p.Ser163Phe (NM_001382566.1, NM_001382573.1, NM_001382574.1 and 5 more transcripts); c.575C>T, p.Ser192Phe (NM_001382569.1); c.482C>T, p.Ser161Phe (NM_001382570.1); c.230C>T, p.Ser77Phe (NM_001382571.1); c.221C>T, p.Ser74Phe (NM_001382580.1, NM_001382581.1); short protein forms S77F, S161F, S163F, S192F, S237F, S74F.
Identifiers: ClinVar variation 1372035 (VCV001372035.17), dbSNP rs751364519, ClinGen allele CA5830298.

ClinVar aggregate classification (germline): Uncertain significance. Review status: criteria provided, multiple submitters, no conflicts (2 of 4 stars). 3 submissions from 3 submitters: Uncertain significance (2). 1 of the submissions does not count toward it. Last evaluated 2025-07-01.

Conditions:
STIM1-related disorder. Also called: STIM1-related condition.
Stormorken syndrome (STRMK). Also called: THROMBOCYTOPATHY, ASPLENIA, AND MIOSIS. Identifiers: Orphanet 3204, MedGen C1861451, MONDO:0008497, OMIM 185070.
Combined immunodeficiency due to STIM1 deficiency. Also called: STIM1 DEFICIENCY; IMMUNODEFICIENCY 10. Identifiers: Orphanet 169090, Orphanet 317430, MedGen C2748557, MONDO:0013008, OMIM 612783.
Myopathy with tubular aggregates (TAM). Also called: Tubular Aggregate Myopathy. Identifiers: Orphanet 2593, MedGen C0410207, MONDO:0008051.

Allele frequency attached by ClinVar (database versions not stated): gnomAD exomes below 0.00001; ExAC 0.00001.
gnomAD v4.1: 1 of 1,614,116 alleles (0.000062%); highest among the groups gnomAD compares: Non-Finnish European, 0.000085%; no homozygotes.

Submissions (3):

CeGaT Center for Human Genetics Tuebingen
Classification: Uncertain significance. Last evaluated: 2025-07-01. Review status: criteria provided, single submitter. Criteria: CeGaT Center For Human Genetics Tuebingen Variant Classification Criteria Version 2. Collection method: clinical testing. Allele origin: germline. Affected: yes. Observed: 1 variant allele.
Comment: STIM1: PM2:Supporting, PP3

Labcorp Genetics (formerly Invitae), Labcorp
Classification: Uncertain significance for Myopathy with tubular aggregates; Combined immunodeficiency due to STIM1 deficiency; Stormorken syndrome. Last evaluated: 2022-07-12. Review status: criteria provided, single submitter. Criteria: Invitae Variant Classification Sherloc (09022015). Collection method: clinical testing. Allele origin: germline.
Comment: ClinVar contains an entry for this variant (Variation ID: 1372035). In summary, the available evidence is currently insufficient to determine the role of this variant in disease. Therefore, it has been classified as a Variant of Uncertain Significance. Algorithms developed to predict the effect of missense changes on protein structure and function are either unavailable or do not agree on the potential impact of this missense change (SIFT: "Tolerated"; PolyPhen-2: "Probably Damaging"; Align-GVGD: "Class C0"). This variant has not been reported in the literature in individuals affected with STIM1-related conditions. This variant is present in population databases (rs751364519, gnomAD 0.0009%). This sequence change replaces serine, which is neutral and polar, with phenylalanine, which is neutral and non-polar, at codon 237 of the STIM1 protein (p.Ser237Phe).

PreventionGenetics, part of Exact Sciences
Classification: Uncertain significance for STIM1-related condition. Last evaluated: 2024-08-01. Review status: no assertion criteria provided. Collection method: clinical testing. Allele origin: germline. Not counted in ClinVar's aggregate classification.
Comment: The STIM1 c.710C>T variant is predicted to result in the amino acid substitution p.Ser237Phe. To our knowledge, this variant has not been reported in the literature. This variant is reported in 0.00088% of alleles in individuals of European (Non-Finnish) descent in gnomAD. At this time, the clinical significance of this variant is uncertain due to the absence of conclusive functional and genetic evidence.